The following is an entry in ClinVar:

NM_015450.3(POT1):c.305C>A (p.Ala102Glu)

Gene: POT1 (protection of telomeres 1; minus strand). Cytogenetic location: 7q31.33.
Variant type: single nucleotide variant.
Coding change: c.305C>A on transcript NM_015450.3 (MANE Select); coding-DNA position 305, C replaced by A.
Protein change: p.Ala102Glu; replaces alanine 102 with glutamic acid.
Molecular consequence: missense variant. On other transcripts: 5 prime UTR variant (1), non-coding transcript variant (3).
Genome position (GRCh38, 1-based): chr7:124,863,591, G>T on the plus strand (C>A on the coding strand, the complement: POT1 is on the minus strand). VCF-style: chr7-124863591-G-T. GRCh37 (hg19) VCF-style: chr7-124503645-G-T.
Other names: c.-89C>A (NM_001042594.2); short protein forms A102E.
Identifiers: ClinVar variation 4770960 (VCV004770960.1).

ClinVar aggregate classification (germline): Uncertain significance (1 of 4 stars; one submission).

Conditions:
Tumor predisposition syndrome 3 (TPDS3). Also called: Glioma susceptibility 9; Melanoma, cutaneous malignant, susceptibility to, 10; LONG TELOMERE SYNDROME, POT1-RELATED; POT1 Tumor Predisposition. Identifiers: Orphanet 618, MedGen C4014476, MONDO:0014368, OMIM 615848.

Submission:

Labcorp Genetics (formerly Invitae), Labcorp
Classification: Uncertain significance for Tumor predisposition syndrome 3. Last evaluated: 2025-06-18. Review status: criteria provided, single submitter. Criteria: Invitae Variant Classification Sherloc (09022015). Collection method: clinical testing. Allele origin: germline.
Comment: This sequence change replaces alanine, which is neutral and non-polar, with glutamic acid, which is acidic and polar, at codon 102 of the POT1 protein (p.Ala102Glu). This variant is not present in population databases (gnomAD no frequency). This variant has not been reported in the literature in individuals affected with POT1-related conditions. Invitae Evidence Modeling of protein sequence and biophysical properties (such as structural, functional, and spatial information, amino acid conservation, physicochemical variation, residue mobility, and thermodynamic stability) indicates that this missense variant is not expected to disrupt POT1 protein function with a negative predictive value of 80%. In summary, the available evidence is currently insufficient to determine the role of this variant in disease. Therefore, it has been classified as a Variant of Uncertain Significance.